The following is an entry in ClinVar:

NM_015331.3(NCSTN):c.1419_1442dup (p.Glu474_Thr481dup)

Gene: NCSTN (nicastrin; plus strand). Cytogenetic location: 1q23.2.
Variant type: Duplication.
Coding change: c.1419_1442dup on transcript NM_015331.3 (MANE Select); coding-DNA positions 1419 to 1442, 24 bases duplicated (TGAAGAGGACCTGAACTTTGTAAC).
Protein change: p.Glu474_Thr481dup.
Molecular consequence: inframe insertion.
Genome position (GRCh38, 1-based): chr1:160,355,721-160,355,744, TGAAGAGGACCTGAACTTTGTAAC duplicated; duplicating any 24 consecutive bases within chr1:160,355,720-160,355,744 gives the same sequence; the c. name uses the placement nearest the transcript's 3' end. VCF-style (leftmost placement, unchanged base first): chr1-160355719-C-CCTGAAGAGGACCTGAACTTTGTAA. GRCh37 (hg19) VCF-style: chr1-160325509-C-CCTGAAGAGGACCTGAACTTTGTAA.
Other names: c.1359_1382dup, p.Glu454_Thr461dup (NM_001290184.2); c.1005_1028dup, p.Glu336_Thr343dup (NM_001290186.2); c.1419_1442dup, p.Glu474_Thr481dup (NM_001349729.2).
Identifiers: ClinVar variation 1354800 (VCV001354800.8), dbSNP rs1477528445, ClinGen allele CA526601493.
Genomic context (GRCh38, chr1:160,355,719, plus strand): 5'-TACCAGAGTATTTACGACACTGCTGAGAACATTAATGTGAGCTATCCCGAATGGCTGAGC[C>CCTGAAGAGGACCTGAACTTTGTAA]CTGAAGAGGACCTGAACTTTGTAACAGACACTGCCAAGGTAGCACTGAGCCAGGCTGGGT-3'

ClinVar aggregate classification (germline): Uncertain significance (1 of 4 stars; one submission).

Submission:

Labcorp Genetics (formerly Invitae), Labcorp
Classification: Uncertain significance. Last evaluated: 2022-08-15. Review status: criteria provided, single submitter. Criteria: Invitae Variant Classification Sherloc (09022015). Collection method: clinical testing. Allele origin: germline.
Comment: In summary, the available evidence is currently insufficient to determine the role of this variant in disease. Therefore, it has been classified as a Variant of Uncertain Significance. Experimental studies and prediction algorithms are not available or were not evaluated, and the functional significance of this variant is currently unknown. ClinVar contains an entry for this variant (Variation ID: 1354800). This variant has not been reported in the literature in individuals affected with NCSTN-related conditions. This variant is present in population databases (no rsID available, gnomAD 0.01%). This variant, c.1419_1442dup, results in the insertion of 8 amino acid(s) of the NCSTN protein (p.Glu474_Thr481dup), but otherwise preserves the integrity of the reading frame.